The following is an entry in ClinVar:

NM_020975.6(RET):c.358A>G (p.Thr120Ala)

Gene: RET (ret proto-oncogene; plus strand). Cytogenetic location: 10q11.21.
Variant type: single nucleotide variant.
Coding change: c.358A>G on transcript NM_020975.6 (MANE Select); coding-DNA position 358, A replaced by G.
Protein change: p.Thr120Ala; replaces threonine 120 with alanine.
Molecular consequence: missense variant. On other transcripts: intron variant (22).
Genome position (GRCh38, 1-based): chr10:43,102,362, A>G. VCF-style: chr10-43102362-A-G. GRCh37 (hg19) VCF-style: chr10-43597810-A-G.
Other names: c.358A>G, p.Thr120Ala (NM_001406743.1, NM_001406744.1, NM_001406759.1 and 14 more transcripts); c.338-109A>G (NM_001406764.1, NM_001406762.1, NM_001406761.1 and 4 more transcripts); c.337+1640A>G (NM_001406770.1, NM_001406766.1, NM_001406767.1 and 8 more transcripts); c.74-6669A>G (NM_001406784.1); c.74-9737A>G (NM_001406794.1, NM_001406792.1, NM_001406793.1); short protein forms T120A.
Identifiers: ClinVar variation 3432288 (VCV003432288.1).

ClinVar aggregate classification (germline): Uncertain significance (1 of 4 stars; one submission).

Conditions:
Hereditary cancer-predisposing syndrome. Also called: Neoplastic Syndromes, Hereditary; Tumor predisposition; Hereditary Cancer Syndrome; Hereditary neoplastic syndrome. Identifiers: Orphanet 140162, MedGen C0027672, MeSH D009386, MONDO:0015356.

Submission:

Ambry Genetics
Classification: Uncertain significance for Hereditary cancer-predisposing syndrome. Last evaluated: 2024-10-31. Review status: criteria provided, single submitter. Criteria: Ambry Variant Classification Scheme 2023. Collection method: clinical testing. Allele origin: germline.
Comment: The p.T120A variant (also known as c.358A>G), located in coding exon 3 of the RET gene, results from an A to G substitution at nucleotide position 358. The threonine at codon 120 is replaced by alanine, an amino acid with similar properties. This amino acid position is highly conserved in available vertebrate species. In addition, this alteration is predicted to be tolerated by in silico analysis. Based on the available evidence, the clinical significance of this variant remains unclear.